The following is an entry in ClinVar:

ClinVar aggregate classification (germline): Uncertain significance (1 of 4 stars; one submission).

Conditions:
Hereditary cancer-predisposing syndrome. Also called: Neoplastic Syndromes, Hereditary; Tumor predisposition; Hereditary Cancer Syndrome; Hereditary neoplastic syndrome. Identifiers: Orphanet 140162, MedGen C0027672, MeSH D009386, MONDO:0015356.

Submission:

Ambry Genetics
Classification: Uncertain significance for Hereditary cancer-predisposing syndrome. Last evaluated: 2020-09-24. Review status: criteria provided, single submitter. Criteria: Ambry Variant Classification Scheme 2023. Collection method: clinical testing. Allele origin: germline.
Comment: The p.E564K variant (also known as c.1690G>A), located in coding exon 11 of the CTNNA1 gene, results from a G to A substitution at nucleotide position 1690. The glutamic acid at codon 564 is replaced by lysine, an amino acid with similar properties. This amino acid position is highly conserved in available vertebrate species. In addition, the in silico prediction for this alteration is inconclusive. Since supporting evidence is limited at this time, the clinical significance of this alteration remains unclear.

NM_001903.5(CTNNA1):c.1690G>A (p.Glu564Lys)

Gene: CTNNA1 (catenin alpha 1; plus strand). Cytogenetic location: 5q31.2.
Variant type: single nucleotide variant.
Coding change: c.1690G>A on transcript NM_001903.5 (MANE Select); coding-DNA position 1690, G replaced by A.
Protein change: p.Glu564Lys; replaces glutamic acid 564 with lysine.
Molecular consequence: missense variant.
Genome position (GRCh38, 1-based): chr5:138,924,653, G>A. VCF-style: chr5-138924653-G-A. GRCh37 (hg19) VCF-style: chr5-138260342-G-A.
Other names: c.1690G>A, p.Glu564Lys (NM_001290307.3, NM_001323982.2, NM_001323983.1 and 2 more transcripts); c.1381G>A, p.Glu461Lys (NM_001290309.3); c.1321G>A, p.Glu441Lys (NM_001290310.3); c.580G>A, p.Glu194Lys (NM_001290312.1, NM_001323987.1, NM_001323988.1 and 17 more transcripts); c.1597G>A, p.Glu533Lys (NM_001323986.2); c.241G>A, p.Glu81Lys (NM_001324006.1, NM_001324007.1, NM_001324008.1 and 2 more transcripts); c.487G>A, p.Glu163Lys (NM_001324011.1); c.337G>A, p.Glu113Lys (NM_001324012.1, NM_001324013.1); short protein forms E194K, E461K, E533K, E81K, E113K, E441K, E564K, E163K.
Identifiers: ClinVar variation 1778132 (VCV001778132.2), dbSNP rs2533712637, ClinGen allele CA361131981.